The following is an entry in ClinVar:

NM_000018.4(ACADVL):c.1636del (p.Val546fs)

Gene: ACADVL (acyl-CoA dehydrogenase very long chain; plus strand). Cytogenetic location: 17p13.1.
Variant type: Deletion.
Coding change: c.1636del on transcript NM_000018.4 (MANE Select); coding-DNA position 1636, one base deleted (G; older notation c.1636delG).
Protein change: p.Val546fs; shifts the reading frame from valine 546.
Molecular consequence: frameshift variant.
Genome position (GRCh38, 1-based): chr17:7,224,510, G deleted. VCF-style (leftmost placement, unchanged base first): chr17-7224509-TG-T. GRCh37 (hg19) VCF-style: chr17-7127828-TG-T.
Other names: c.1570del, p.Val524fs (NM_001033859.3); c.1705del, p.Val569fs (NM_001270447.2); c.1408del, p.Val470fs (NM_001270448.2); short protein forms V470fs, V546fs, V569fs, V524fs.
Identifiers: ClinVar variation 2865339 (VCV002865339.3), dbSNP rs2508361555, ClinGen allele CA2739267108.

ClinVar aggregate classification (germline): Pathogenic (1 of 4 stars; one submission).

Conditions:
Very long chain acyl-CoA dehydrogenase deficiency (ACADVLD). Also called: Very Long-Chain Acyl-Coenzyme A Dehydrogenase Deficiency; VLCAD Deficiency. Identifiers: Orphanet 26793, MedGen C3887523, MONDO:0008723, OMIM 201475.

Submission:

Labcorp Genetics (formerly Invitae), Labcorp
Classification: Pathogenic for Very long chain acyl-CoA dehydrogenase deficiency. Last evaluated: 2023-05-18. Review status: criteria provided, single submitter. Criteria: Invitae Variant Classification Sherloc (09022015). Collection method: clinical testing. Allele origin: germline.
Comment: For these reasons, this variant has been classified as Pathogenic. This sequence change creates a premature translational stop signal (p.Val546Trpfs*6) in the ACADVL gene. It is expected to result in an absent or disrupted protein product. Loss-of-function variants in ACADVL are known to be pathogenic (PMID: 9973285, 11590124). This variant is not present in population databases (gnomAD no frequency). This variant has not been reported in the literature in individuals affected with ACADVL-related conditions. Algorithms developed to predict the effect of sequence changes on RNA splicing suggest that this variant may disrupt the consensus splice site.

Literature cited by the submitters: PubMed 9973285; PubMed 11590124.